The following is an entry in ClinVar:

NM_006231.4(POLE):c.4247C>T (p.Ala1416Val)

Gene: POLE (DNA polymerase epsilon, catalytic subunit; minus strand). Cytogenetic location: 12q24.33.
Variant type: single nucleotide variant.
Coding change: c.4247C>T on transcript NM_006231.4 (MANE Select); coding-DNA position 4247, C replaced by T.
Protein change: p.Ala1416Val; replaces alanine 1416 with valine.
Molecular consequence: missense variant.
Genome position (GRCh38, 1-based): chr12:132,643,880, G>A on the plus strand (C>T on the coding strand, the complement: POLE is on the minus strand). VCF-style: chr12-132643880-G-A. GRCh37 (hg19) VCF-style: chr12-133220466-G-A.
Other names: short protein forms A1416V.
Identifiers: ClinVar variation 665533 (VCV000665533.8), dbSNP rs1593735980, ClinGen allele CA387381962.

ClinVar aggregate classification (germline): Uncertain significance (1 of 4 stars; one submission).

Submission:

Labcorp Genetics (formerly Invitae), Labcorp
Classification: Uncertain significance. Last evaluated: 2018-09-20. Review status: criteria provided, single submitter. Criteria: Invitae Variant Classification Sherloc (09022015). Collection method: clinical testing. Allele origin: germline.
Comment: This variant has not been reported in the literature in individuals with POLE-related disease. Algorithms developed to predict the effect of missense changes on protein structure and function are either unavailable or do not agree on the potential impact of this missense change (SIFT: "Deleterious"; PolyPhen-2: "Benign"; Align-GVGD: "Class C0"). In summary, the available evidence is currently insufficient to determine the role of this variant in disease. Therefore, it has been classified as a Variant of Uncertain Significance. This variant is not present in population databases (ExAC no frequency). This sequence change replaces alanine with valine at codon 1416 of the POLE protein (p.Ala1416Val). The alanine residue is weakly conserved and there is a small physicochemical difference between alanine and valine.